The following is an entry in ClinVar:

NM_144687.4(NLRP12):c.1629G>C (p.Arg543Ser)

Gene: NLRP12 (NLR family pyrin domain containing 12; minus strand). Cytogenetic location: 19q13.42.
Variant type: single nucleotide variant.
Coding change: c.1629G>C on transcript NM_144687.4 (MANE Select); coding-DNA position 1629, G replaced by C.
Protein change: p.Arg543Ser; replaces arginine 543 with serine.
Molecular consequence: missense variant.
Genome position (GRCh38, 1-based): chr19:53,810,030, C>G on the plus strand (G>C on the coding strand, the complement: NLRP12 is on the minus strand). VCF-style: chr19-53810030-C-G. GRCh37 (hg19) VCF-style: chr19-54313284-C-G.
Other names: c.1629G>C, p.Arg543Ser (NM_001277126.2, NM_001277129.1); short protein forms R543S.
Identifiers: ClinVar variation 4998064 (VCV004998064.1).

ClinVar aggregate classification (germline): Uncertain significance (1 of 4 stars; one submission).

Conditions:
NLRP12-related disorder. Also called: NLRP12-related conditions; NLRP12-related condition.

gnomAD v4.1: 2 of 1,614,116 alleles (0.00012%); highest among the groups gnomAD compares: African/African-American, 0.0013%; no homozygotes.

Submission:

PreventionGenetics, part of Exact Sciences
Classification: Uncertain significance for NLRP12-related condition. Last evaluated: 2024-10-25. Review status: criteria provided, single submitter. Criteria: ACMG Guidelines, 2015. Collection method: clinical testing. Allele origin: germline.
Comment: The NLRP12 c.1629G>C variant is predicted to result in the amino acid substitution p.Arg543Ser. To our knowledge, this variant has not been reported in the literature or in a large population database (gnomAD), indicating this variant is rare. At this time, the clinical significance of this variant is uncertain due to the absence of conclusive functional and genetic evidence.